The following is an entry in ClinVar:

NM_001378120.1(MBD5):c.2605G>T (p.Val869Phe)

Gene: MBD5 (methyl-CpG binding domain protein 5; plus strand). Cytogenetic location: 2q23.1.
Variant type: single nucleotide variant.
Coding change: c.2605G>T on transcript NM_001378120.1 (MANE Select); coding-DNA position 2605, G replaced by T.
Protein change: p.Val869Phe; replaces valine 869 with phenylalanine.
Molecular consequence: missense variant.
Genome position (GRCh38, 1-based): chr2:148,483,196, G>T. VCF-style: chr2-148483196-G-T. GRCh37 (hg19) VCF-style: chr2-149240765-G-T.
Other names: c.2605G>T, p.Val869Phe (NM_018328.5); short protein forms V869F.
Identifiers: ClinVar variation 808810 (VCV000808810.49), dbSNP rs116207524, ClinGen allele CA1900198.

ClinVar aggregate classification (germline): Conflicting classifications of pathogenicity. Review status: criteria provided, conflicting classifications (1 of 4 stars). 2 submissions from 2 submitters: Uncertain significance (1); Likely benign (1). Last evaluated 2022-09-07.

Conditions:
Intellectual developmental disorder, autosomal dominant 1. Also called: Intellectual disability, autosomal dominant 1; MBD5 Haploinsufficiency. Identifiers: Orphanet 228402, MedGen C1969562, MONDO:0007974, OMIM 156200.

gnomAD v4.1: 24 of 1,613,464 alleles (0.0015%); highest among the groups gnomAD compares: South Asian, 0.02%; no homozygotes.

Submissions (2):

Labcorp Genetics (formerly Invitae), Labcorp
Classification: Uncertain significance for Intellectual developmental disorder, autosomal dominant 1. Last evaluated: 2022-09-07. Review status: criteria provided, single submitter. Criteria: Invitae Variant Classification Sherloc (09022015). Collection method: clinical testing. Allele origin: germline.
Comment: In summary, the available evidence is currently insufficient to determine the role of this variant in disease. Therefore, it has been classified as a Variant of Uncertain Significance. Algorithms developed to predict the effect of missense changes on protein structure and function (SIFT, PolyPhen-2, Align-GVGD) all suggest that this variant is likely to be disruptive. ClinVar contains an entry for this variant (Variation ID: 808810). This variant has not been reported in the literature in individuals affected with MBD5-related conditions. This variant is present in population databases (rs116207524, gnomAD 0.01%). This sequence change replaces valine, which is neutral and non-polar, with phenylalanine, which is neutral and non-polar, at codon 869 of the MBD5 protein (p.Val869Phe).

CeGaT Center for Human Genetics Tuebingen
Classification: Likely benign. Last evaluated: 2018-09-01. Review status: criteria provided, single submitter. Criteria: CeGaT Center For Human Genetics Tuebingen Variant Classification Criteria Version 2. Collection method: clinical testing. Allele origin: germline. Affected: yes. Observed: 1 variant allele.